The following is an entry in ClinVar:

NM_015087.5(SPART):c.361G>T (p.Asp121Tyr)

Gene: SPART (spartin; minus strand). Cytogenetic location: 13q13.3.
Variant type: single nucleotide variant.
Coding change: c.361G>T on transcript NM_015087.5 (MANE Select); coding-DNA position 361, G replaced by T.
Protein change: p.Asp121Tyr; replaces aspartic acid 121 with tyrosine.
Molecular consequence: missense variant.
Genome position (GRCh38, 1-based): chr13:36,335,470, C>A on the plus strand (G>T on the coding strand, the complement: SPART is on the minus strand). VCF-style: chr13-36335470-C-A. GRCh37 (hg19) VCF-style: chr13-36909607-C-A.
Other names: c.361G>T, p.Asp121Tyr (NM_001142294.2, NM_001142295.2, NM_001142296.2); short protein forms D121Y.
Identifiers: ClinVar variation 216688 (VCV000216688.61), dbSNP rs146398746, ClinGen allele CA337761.

ClinVar aggregate classification (germline): Conflicting classifications of pathogenicity. Review status: criteria provided, conflicting classifications (1 of 4 stars). 11 submissions from 11 submitters: Uncertain significance (2); Likely benign (6). 3 of the submissions do not count toward it. Last evaluated 2026-09-01.

Conditions:
SPART-related disorder. Also called: SPART-related condition.
Hereditary spastic paraplegia. Also called: Familial spastic paraparesis. Identifiers: Orphanet 685, MedGen C0037773, MONDO:0019064. Disease mechanism: loss of function.
Troyer syndrome (SPG20). Identifiers: Orphanet 101000, MedGen C0393559, MONDO:0010156, OMIM 275900.

Allele frequency attached by ClinVar (database versions not stated): 1000 Genomes Project 30x 0.00031; 1000 Genomes Project 0.00040; TOPMed 0.00093; ESP Exome Variant Server 0.00138; gnomAD 0.00170 and 0.00180; ExAC 0.00191; gnomAD exomes 0.00196 and 0.00203.
gnomAD v4.1: 3,177 of 1,614,110 alleles (0.2%); highest among the groups gnomAD compares: Non-Finnish European, 0.22%; 6 homozygotes.

Submissions (11):

CeGaT Center for Human Genetics Tuebingen
Classification: Likely benign. Last evaluated: 2026-09-01. Review status: criteria provided, single submitter. Criteria: CeGaT Center For Human Genetics Tuebingen Variant Classification Criteria Version 2. Collection method: clinical testing. Allele origin: germline. Affected: yes. Observed: 2 variant alleles.
Comment: SPART: BS2

Labcorp Genetics (formerly Invitae), Labcorp
Classification: Likely benign. Last evaluated: 2026-02-01. Review status: criteria provided, single submitter. Criteria: Invitae Variant Classification Sherloc (09022015). Collection method: clinical testing. Allele origin: germline.

Blueprint Genetics
Classification: Likely benign. Last evaluated: 2024-11-27. Review status: criteria provided, single submitter. Criteria: ACMG Guidelines, 2015. Collection method: clinical testing. Allele origin: germline.

GeneDx
Classification: Likely benign. Last evaluated: 2020-08-25. Review status: criteria provided, single submitter. Criteria: GeneDx Variant Classification Process June 2021. Collection method: clinical testing. Allele origin: germline. Affected: yes.

Athena Diagnostics
Classification: Likely benign. Last evaluated: 2018-04-25. Review status: criteria provided, single submitter. Criteria: Athena Diagnostics Criteria. Collection method: clinical testing. Allele origin: germline.

Illumina Laboratory Services, Illumina
Classification: Uncertain significance for Troyer syndrome. Last evaluated: 2018-01-13. Review status: criteria provided, single submitter. Criteria: ICSL Variant Classification Criteria 13 December 2019. Collection method: clinical testing. Allele origin: germline.

Eurofins Ntd Llc (ga)
Classification: Likely benign. Last evaluated: 2017-01-18. Review status: criteria provided, single submitter. Criteria: EGL Classification Definitions 2015. Collection method: clinical testing. Allele origin: germline. Observed: 1 variant allele, 1 heterozygote.

Genome Diagnostics Laboratory, The Hospital for Sick Children
Classification: Uncertain significance for Hereditary spastic paraplegia. Last evaluated: 2016-12-12. Review status: criteria provided, single submitter. Criteria: ACMG Guidelines, 2015. Collection method: clinical testing. Allele origin: germline. Affected: yes.

PreventionGenetics, part of Exact Sciences
Classification: Benign for SPART-related condition. Last evaluated: 2019-09-12. Review status: no assertion criteria provided. Collection method: clinical testing. Allele origin: germline. Not counted in ClinVar's aggregate classification.
Comment: This variant is classified as benign based on ACMG/AMP sequence variant interpretation guidelines (Richards et al. 2015 PMID: 25741868, with internal and published modifications).

Clinical Genetics DNA and cytogenetics Diagnostics Lab, Erasmus MC, Erasmus Medical Center
Classification: Likely benign. Review status: no assertion criteria provided. Collection method: clinical testing. Allele origin: germline. Affected: yes. Study: VKGL Data-share Consensus. Not counted in ClinVar's aggregate classification.

Diagnostic Laboratory, Department of Genetics, University Medical Center Groningen
Classification: Likely benign. Review status: no assertion criteria provided. Collection method: clinical testing. Allele origin: germline. Affected: yes. Study: VKGL Data-share Consensus. Not counted in ClinVar's aggregate classification.

Literature cited by the submitters: PubMed 23699601 (cited by Athena Diagnostics).